The following is an entry in ClinVar:

NM_212482.4(FN1):c.5491G>A (p.Ala1831Thr)

Gene: FN1 (fibronectin 1; minus strand). Cytogenetic location: 2q35.
Variant type: single nucleotide variant.
Coding change: c.5491G>A on transcript NM_212482.4 (MANE Select); coding-DNA position 5491, G replaced by A.
Protein change: p.Ala1831Thr; replaces alanine 1831 with threonine.
Molecular consequence: missense variant.
Genome position (GRCh38, 1-based): chr2:215,379,261, C>T on the plus strand (G>A on the coding strand, the complement: FN1 is on the minus strand). VCF-style: chr2-215379261-C-T. GRCh37 (hg19) VCF-style: chr2-216243984-C-T.
Other names: p.Ala1831Thr; c.5491G>A, p.Ala1831Thr (NM_001306129.2); c.5221G>A, p.Ala1741Thr (NM_001306130.2, NM_001365517.2, NM_001365519.2 and 2 more transcripts); c.4948G>A, p.Ala1650Thr (NM_001306131.2, NM_001306132.2, NM_001365523.2 and 2 more transcripts); c.5218G>A, p.Ala1740Thr (NM_001365518.2, NM_001365520.2, NM_001365524.2 and 2 more transcripts); c.5491G>A (NM_212482.3); short protein forms A1740T, A1650T, A1741T, A1831T.
Identifiers: ClinVar variation 2570233 (VCV002570233.6), dbSNP rs753498044, ClinGen allele CA2094129.

ClinVar aggregate classification (germline): Conflicting classifications of pathogenicity. Review status: criteria provided, conflicting classifications (1 of 4 stars). 3 submissions from 3 submitters: Uncertain significance (1); Likely benign (2). Last evaluated 2025-06-20.

Conditions:
Inborn genetic diseases. Identifiers: MedGen C0950123, MeSH D030342.

Allele frequency attached by ClinVar (database versions not stated): ExAC 0.00007; gnomAD 0.00008; TOPMed 0.00012.
gnomAD v4.1: 59 of 1,613,904 alleles (0.0037%); highest among the groups gnomAD compares: East Asian, 0.06%; no homozygotes.

Submissions (3):

Mayo Clinic Laboratories, Mayo Clinic
Classification: Likely benign. Last evaluated: 2025-06-20. Review status: criteria provided, single submitter. Criteria: ACMG Guidelines, 2015. Collection method: clinical testing. Allele origin: germline. Observed: 1 variant allele.
Comment: BS1, BP4

Labcorp Genetics (formerly Invitae), Labcorp
Classification: Likely benign. Last evaluated: 2024-11-18. Review status: criteria provided, single submitter. Criteria: Invitae Variant Classification Sherloc (09022015). Collection method: clinical testing. Allele origin: germline.

Ambry Genetics
Classification: Uncertain significance for Inborn genetic diseases. Last evaluated: 2023-04-05. Review status: criteria provided, single submitter. Criteria: Ambry Variant Classification Scheme 2023. Collection method: clinical testing. Allele origin: germline.